The following is an entry in ClinVar:

NM_003024.3(ITSN1):c.5163G>A (p.Pro1721=)

Gene: ITSN1 (intersectin 1; plus strand). Cytogenetic location: 21q22.11.
Variant type: single nucleotide variant.
Coding change: c.5163G>A on transcript NM_003024.3 (MANE Select); coding-DNA position 5163, G replaced by A.
Protein change: p.Pro1721=; no amino-acid change (proline 1721 retained).
Molecular consequence: synonymous variant.
Genome position (GRCh38, 1-based): chr21:33,888,297, G>A. VCF-style: chr21-33888297-G-A. GRCh37 (hg19) VCF-style: chr21-35260601-G-A.
Other names: c.5148G>A, p.Pro1716= (NM_001331010.2).
Identifiers: ClinVar variation 4280821 (VCV004280821.7).

ClinVar aggregate classification (germline): Likely benign (1 of 4 stars; one submission).

gnomAD v4.1: 182 of 1,611,716 alleles (0.011%); highest among the groups gnomAD compares: Non-Finnish European, 0.014%; no homozygotes.

Submission:

CeGaT Center for Human Genetics Tuebingen
Classification: Likely benign. Last evaluated: 2025-09-01. Review status: criteria provided, single submitter. Criteria: CeGaT Center For Human Genetics Tuebingen Variant Classification Criteria Version 2. Collection method: clinical testing. Allele origin: germline. Affected: yes. Observed: 1 variant allele.
Comment: ITSN1: BP4, BP7